The following is an entry in ClinVar:

NM_001166108.2(PALLD):c.1965-12916G>T

Gene: PALLD (palladin, cytoskeletal associated protein; plus strand). Cytogenetic location: 4q32.3.
Variant type: single nucleotide variant.
Coding change: c.1965-12916G>T on transcript NM_001166108.2 (MANE Select); 12916 bases into the intron before coding-DNA position 1965, G replaced by T.
Molecular consequence: intron variant. On other transcripts: missense variant (1).
Genome position (GRCh38, 1-based): chr4:168,878,006, G>T. VCF-style: chr4-168878006-G-T. GRCh37 (hg19) VCF-style: chr4-169799157-G-T.
Other names: c.115G>T, p.Gly39Cys (NM_001166110.2); c.1965-12916G>T (NM_016081.4); c.819-12916G>T (NM_001166109.2); c.-157-12916G>T (NM_001367570.1, NM_001367568.1, NM_001367567.1 and 1 more transcripts); c.115G>T (NM_001166110.1); short protein forms G39C.
Identifiers: ClinVar variation 2157856 (VCV002157856.5), dbSNP rs2533434649, ClinGen allele CA358795069.
Genomic context (GRCh38, chr4:168,878,006, plus strand): 5'-AACTACGCGCGCCCCAAGCAGTTCATCGCCGCGCAGAACCTCGGGCCCGCGTCGGGCCAC[G>T]GCACGCCGGCCTCCAGCCCCAGCTCGTCCAGCCTCCCGTCGCCCATGTCCCCGACGCCGA-3'

ClinVar aggregate classification (germline): Uncertain significance. Review status: criteria provided, multiple submitters, no conflicts (2 of 4 stars). 2 submissions from 2 submitters: Uncertain significance (2). Last evaluated 2025-03-26.

Conditions:
Pancreatic adenocarcinoma. Identifiers: MedGen C0281361, MONDO:0006047, HP:0006725.

Allele frequency attached by ClinVar (database versions not stated): gnomAD exomes 0.00001.
gnomAD v4.1: 11 of 1,497,384 alleles (0.00073%); highest among the groups gnomAD compares: Non-Finnish European, 0.00097%; no homozygotes.

Submissions (2):

Ambry Genetics
Classification: Uncertain significance. Last evaluated: 2025-03-26. Review status: criteria provided, single submitter. Criteria: Ambry Variant Classification Scheme 2023. Collection method: clinical testing. Allele origin: germline.
Comment: The p.G39C variant (also known as c.115G>T), located in coding exon 1 of the PALLD gene, results from a G to T substitution at nucleotide position 115. The glycine at codon 39 is replaced by cysteine, an amino acid with highly dissimilar properties. This amino acid position is conserved. In addition, this alteration is predicted to be tolerated by in silico analysis. Based on the available evidence, the clinical significance of this variant remains unclear.

Labcorp Genetics (formerly Invitae), Labcorp
Classification: Uncertain significance for Pancreatic adenocarcinoma. Last evaluated: 2022-02-17. Review status: criteria provided, single submitter. Criteria: Invitae Variant Classification Sherloc (09022015). Collection method: clinical testing. Allele origin: germline.
Comment: This sequence change replaces glycine, which is neutral and non-polar, with cysteine, which is neutral and slightly polar, at codon 39 of the PALLD protein (p.Gly39Cys). This variant is not present in population databases (gnomAD no frequency). This variant has not been reported in the literature in individuals affected with PALLD-related conditions. Algorithms developed to predict the effect of missense changes on protein structure and function are either unavailable or do not agree on the potential impact of this missense change (SIFT: "Tolerated"; PolyPhen-2: "Probably Damaging"; Align-GVGD: "Class C15"). In summary, the available evidence is currently insufficient to determine the role of this variant in disease. Therefore, it has been classified as a Variant of Uncertain Significance.